The following is an entry in ClinVar:

NM_001199107.2(TBC1D24):c.172del (p.Arg57_Leu58insTer)

Gene: TBC1D24 (TBC1 domain family member 24; plus strand). Cytogenetic location: 16p13.3.
Variant type: Deletion.
Coding change: c.172del on transcript NM_001199107.2 (MANE Select); coding-DNA position 172, one base deleted (C; older notation c.172delC).
Protein change: p.Arg57_Leu58insTer.
Molecular consequence: nonsense.
Genome position (GRCh38, 1-based): chr16:2,496,320, C deleted; the last of 2 consecutive C bases (chr16:2,496,319-2,496,320); deleting either gives the same sequence. VCF-style (leftmost placement, unchanged base first): chr16-2496318-GC-G. GRCh37 (hg19) VCF-style: chr16-2546319-GC-G.
Other names: c.172del, p.Arg57_Leu58insTer (NM_020705.3).
Identifiers: ClinVar variation 541316 (VCV000541316.7), dbSNP rs1555501140, ClinGen allele CA620709056.
Genomic context (GRCh38, chr16:2,496,318, plus strand): 5'-AGCTGGCGCGCCAGGGCTACTGGGCCCAAAGCCACGCCCTGCGGGGAAAGGTGTACCAGC[GC>G]CTGATCCGGGACATTCCCTGCCGCACGGTCACGCCTGACGCCAGCGTGTACAGCGACATC-3'

ClinVar aggregate classification (germline): Pathogenic (1 of 4 stars; one submission).

Conditions:
Autosomal dominant nonsyndromic hearing loss 65. Also called: Deafness, autosomal dominant 65; TBC1D24-Related Autosomal Dominant Nonsyndromic Hearing Loss (DFNA). Identifiers: Orphanet 90635, MedGen C3892048, MONDO:0014470, OMIM 616044.
Developmental and epileptic encephalopathy, 1 (DEE1). Also called: Epileptic encephalopathy, early infantile, 1; X-linked infantile spasms; West's syndrome; Tonic spasms with clustering, arrest of psychomotor development and hypsarrhythmia on EEG; X-Linked Infantile Spasm Syndrome; OHTAHARA SYNDROME, X-LINKED. Identifiers: MedGen C3463992, MONDO:0010632, OMIM 308350. Disease mechanism: loss of function.

Submission:

Labcorp Genetics (formerly Invitae), Labcorp
Classification: Pathogenic for Developmental and epileptic encephalopathy, 1; Autosomal dominant nonsyndromic hearing loss 65. Last evaluated: 2017-09-24. Review status: criteria provided, single submitter. Criteria: Invitae Variant Classification Sherloc (09022015). Collection method: clinical testing. Allele origin: germline.
Comment: For these reasons, this variant has been classified as Pathogenic. Loss-of-function variants in TBC1D24 are known to be pathogenic (PMID: 23526554, 24291220). This variant has not been reported in the literature in individuals with TBC1D24-related disease. This variant is not present in population databases (ExAC no frequency). This sequence change creates a premature translational stop signal (p.Leu58*) in the TBC1D24 gene. It is expected to result in an absent or disrupted protein product.

Literature cited by the submitters: PubMed 23526554; PubMed 24291220.